The following is an entry in ClinVar:

ClinVar aggregate classification (germline): Uncertain significance (1 of 4 stars; one submission).

Conditions:
Inborn genetic diseases. Identifiers: MedGen C0950123, MeSH D030342.

Allele frequency attached by ClinVar (database versions not stated): ESP Exome Variant Server 0.00008.

Submission:

Ambry Genetics
Classification: Uncertain significance for Inborn genetic diseases. Last evaluated: 2022-05-28. Review status: criteria provided, single submitter. Criteria: Ambry Variant Classification Scheme 2023. Collection method: clinical testing. Allele origin: germline.
Comment: The p.S79F variant (also known as c.236C>T), located in coding exon 3 of the EPAS1 gene, results from a C to T substitution at nucleotide position 236. The serine at codon 79 is replaced by phenylalanine, an amino acid with highly dissimilar properties. This amino acid position is conserved. In addition, this alteration is predicted to be tolerated by in silico analysis. Since supporting evidence is limited at this time, the clinical significance of this alteration remains unclear.

NM_001430.5(EPAS1):c.236C>T (p.Ser79Phe)

Gene: EPAS1 (endothelial PAS domain protein 1; plus strand). Cytogenetic location: 2p21.
Variant type: single nucleotide variant.
Coding change: c.236C>T on transcript NM_001430.5 (MANE Select); coding-DNA position 236, C replaced by T.
Protein change: p.Ser79Phe; replaces serine 79 with phenylalanine.
Molecular consequence: missense variant.
Genome position (GRCh38, 1-based): chr2:46,356,169, C>T. VCF-style: chr2-46356169-C-T. GRCh37 (hg19) VCF-style: chr2-46583308-C-T.
Other names: short protein forms S79F.
Identifiers: ClinVar variation 1790267 (VCV001790267.2), dbSNP rs374243090, ClinGen allele CA1644586.